The following is an entry in ClinVar:

NM_000393.5(COL5A2):c.4093G>A (p.Asp1365Asn)

Gene: COL5A2 (collagen type V alpha 2 chain; minus strand). Cytogenetic location: 2q32.2.
Variant type: single nucleotide variant.
Coding change: c.4093G>A on transcript NM_000393.5 (MANE Select); coding-DNA position 4093, G replaced by A.
Protein change: p.Asp1365Asn; replaces aspartic acid 1365 with asparagine.
Molecular consequence: missense variant.
Genome position (GRCh38, 1-based): chr2:189,036,636, C>T on the plus strand (G>A on the coding strand, the complement: COL5A2 is on the minus strand). VCF-style: chr2-189036636-C-T. GRCh37 (hg19) VCF-style: chr2-189901362-C-T.
Other names: short protein forms D1365N.
Identifiers: ClinVar variation 3012106 (VCV003012106.3), dbSNP rs2469214027, ClinGen allele CA349855477.

ClinVar aggregate classification (germline): Uncertain significance (1 of 4 stars; one submission).

Conditions:
Ehlers-Danlos syndrome, classic type, 1 (EDSCL1). Also called: EDS I; EHLERS-DANLOS SYNDROME, GRAVIS TYPE; EHLERS-DANLOS SYNDROME, SEVERE CLASSIC TYPE; Ehlers-Danlos syndrome, type 1; Ehlers-Danlos Syndrome, Classic Type, COL5A1-Related. Identifiers: MedGen C0268335, MONDO:0019567, OMIM 130000.

Submission:

Labcorp Genetics (formerly Invitae), Labcorp
Classification: Uncertain significance for Ehlers-Danlos syndrome, classic type, 1. Last evaluated: 2024-09-11. Review status: criteria provided, single submitter. Criteria: Invitae Variant Classification Sherloc (09022015). Collection method: clinical testing. Allele origin: germline.
Comment: This sequence change replaces aspartic acid, which is acidic and polar, with asparagine, which is neutral and polar, at codon 1365 of the COL5A2 protein (p.Asp1365Asn). This variant is not present in population databases (gnomAD no frequency). This variant has not been reported in the literature in individuals affected with COL5A2-related conditions. Invitae Evidence Modeling of protein sequence and biophysical properties (such as structural, functional, and spatial information, amino acid conservation, physicochemical variation, residue mobility, and thermodynamic stability) indicates that this missense variant is not expected to disrupt COL5A2 protein function with a negative predictive value of 95%. In summary, the available evidence is currently insufficient to determine the role of this variant in disease. Therefore, it has been classified as a Variant of Uncertain Significance.